The following is an entry in ClinVar:

ClinVar aggregate classification (germline): Pathogenic (1 of 4 stars; one submission).

Submission:

Labcorp Genetics (formerly Invitae), Labcorp
Classification: Pathogenic. Last evaluated: 2023-02-27. Review status: criteria provided, single submitter. Criteria: Invitae Variant Classification Sherloc (09022015). Collection method: clinical testing. Allele origin: germline.
Comment: For these reasons, this variant has been classified as Pathogenic. Algorithms developed to predict the effect of sequence changes on RNA splicing suggest that this variant may disrupt the consensus splice site. Disruption of this splice site has been observed in individual(s) with clinical features of USH2A-related conditions (Invitae). This variant is not present in population databases (gnomAD no frequency). This sequence change affects an acceptor splice site in intron 14 of the USH2A gene. It is expected to disrupt RNA splicing. Variants that disrupt the donor or acceptor splice site typically lead to a loss of protein function (PMID: 16199547), and loss-of-function variants in USH2A are known to be pathogenic (PMID: 10729113, 10909849, 20507924, 25649381).

Literature cited by the submitters: PubMed 16199547; PubMed 10729113; PubMed 10909849; PubMed 20507924; PubMed 25649381.

NM_206933.4(USH2A):c.2994-1G>A

Genes: USH2A (usherin; minus strand), USH2A-AS1 (USH2A antisense RNA 1; plus strand). Cytogenetic location: 1q41.
Variant type: single nucleotide variant.
Coding change: c.2994-1G>A on transcript NM_206933.4 (MANE Select); the canonical splice acceptor site of the intron before coding-DNA position 2994, G replaced by A.
Molecular consequence: splice acceptor variant.
Genome position (GRCh38, 1-based): chr1:216,217,551, C>T on the plus strand (G>A on the coding strand, the complement: USH2A is on the minus strand). VCF-style: chr1-216217551-C-T. GRCh37 (hg19) VCF-style: chr1-216390893-C-T.
Other names: c.2994-1G>A (NM_007123.6).
Identifiers: ClinVar variation 2838040 (VCV002838040.3), dbSNP rs2528088083, ClinGen allele CA344863036.
Genomic context (GRCh38, chr1:216,217,551, plus strand): 5'-GTGACCAAGTGACAGGTTTCATTCAAGGCTCCTGAGAGATGACAATTACAAGGCTGACAT[C>T]TGAAAACAAGGCAAATAAACCATCAAAGAGAATAGTGTTTTGATTAATAATTCATAGTAT-3'